The following is an entry in ClinVar:

ClinVar aggregate classification (germline): Pathogenic (1 of 4 stars; one submission).

Conditions:
Neuroocular syndrome 1 (NOC1). Identifiers: Orphanet 659904, MedGen C5925133, MONDO:0971007, OMIM 619539.

Submission:

Variantyx, Inc.
Classification: Pathogenic for Neuroocular syndrome 1. Last evaluated: 2025-12-12. Review status: criteria provided, single submitter. Criteria: Variantyx Assertion Criteria 2022. Collection method: clinical testing. Allele origin: de novo. Inheritance: Autosomal dominant inheritance. Affected: yes.
Comment: This is a frameshift variant in the PRR12 gene (OMIM: 616633). Pathogenic variants in this gene have been associated with autosomal dominant neuroocular syndrome. Thie alteration introduces a premature termination codon in exon 4 out of 14 and is expected to result in loss of function, which is a known disease mechanism for PRR12 in this disorder (PMID: 33824499) (PVS1). This variant has a 0.0017% maximum allele frequency in non-founder control populations (PM2) and it has not been reported in individuals with PRR12-related disorders in the databases available for review. Based on the current evidence, this variant is classified as pathogenic for autosomal dominant neuroocular syndrome.

Literature cited by the submitters: PubMed 33824499.

NM_020719.3(PRR12):c.671_672delinsA (p.Thr224fs)

Gene: PRR12 (proline rich 12; plus strand). Cytogenetic location: 19q13.33.
Variant type: Indel.
Coding change: c.671_672delinsA on transcript NM_020719.3 (MANE Select); coding-DNA positions 671 to 672, CC replaced by A.
Protein change: p.Thr224fs; shifts the reading frame from threonine 224.
Molecular consequence: frameshift variant.
Genome position (GRCh38, 1-based): chr19:49,595,006-49,595,007, CC replaced by A. VCF-style: chr19-49595006-CC-A. GRCh37 (hg19) VCF-style: chr19-50098263-CC-A.
Other names: short protein forms T224fs.
Identifiers: ClinVar variation 4850779 (VCV004850779.1).
Genomic context (GRCh38, chr19:49,595,006, plus strand): 5'-GCTTCGAGCGCCTGGCAGGGGGCGGTGTCTTGGGGCCAGCTGGTCTCGGTCCAGCCCAGA[CC>A]CCCCCTTACCGCCCTGGCCCCCCAGACCCACCACCACCTCCTCGCCACCTCCCAACTCAG-3'